The following is an entry in ClinVar:

ClinVar aggregate classification (germline): Conflicting classifications of pathogenicity. Review status: criteria provided, conflicting classifications (1 of 4 stars). 2 submissions from 2 submitters: Likely pathogenic (1); Uncertain significance (1). Last evaluated 2025-08-05.

Allele frequency attached by ClinVar (database versions not stated): gnomAD 0.00002 and 0.00003; ESP Exome Variant Server 0.00008; ExAC 0.00001; TOPMed 0.00002; gnomAD exomes 0.00004 and 0.00001.
gnomAD v4.1: 60 of 1,613,978 alleles (0.0037%); highest among the groups gnomAD compares: Non-Finnish European, 0.0048%; no homozygotes.

Submissions (2):

GeneDx
Classification: Likely pathogenic. Last evaluated: 2025-08-05. Review status: criteria provided, single submitter. Criteria: GeneDx Variant Classification Process June 2021. Collection method: clinical testing. Allele origin: germline. Affected: yes.
Comment: Identified in a cohort of individuals with dyslipidemias; however, specific clinical information was not provided (PMID: 32041611); In silico analysis supports that this missense variant has a deleterious effect on protein structure/function; Not observed at significant frequency in large population cohorts (gnomAD); This variant is associated with the following publications: (PMID: 32041611)

Labcorp Genetics (formerly Invitae), Labcorp
Classification: Uncertain significance. Last evaluated: 2023-09-19. Review status: criteria provided, single submitter. Criteria: Invitae Variant Classification Sherloc (09022015). Collection method: clinical testing. Allele origin: germline.
Comment: This variant is present in population databases (rs368843590, gnomAD 0.004%). This variant has not been reported in the literature in individuals affected with SAR1B-related conditions. ClinVar contains an entry for this variant (Variation ID: 1441009). An algorithm developed to predict the effect of missense changes on protein structure and function (PolyPhen-2) suggests that this variant is likely to be disruptive. In summary, the available evidence is currently insufficient to determine the role of this variant in disease. Therefore, it has been classified as a Variant of Uncertain Significance. This sequence change replaces glycine, which is neutral and non-polar, with glutamic acid, which is acidic and polar, at codon 187 of the SAR1B protein (p.Gly187Glu).

NM_016103.4(SAR1B):c.560G>A (p.Gly187Glu)

Gene: SAR1B (secretion associated Ras related GTPase 1B; minus strand). Cytogenetic location: 5q31.1.
Variant type: single nucleotide variant.
Coding change: c.560G>A on transcript NM_016103.4 (MANE Select); coding-DNA position 560, G replaced by A.
Protein change: p.Gly187Glu; replaces glycine 187 with glutamic acid.
Molecular consequence: missense variant.
Genome position (GRCh38, 1-based): chr5:134,606,987, C>T on the plus strand (G>A on the coding strand, the complement: SAR1B is on the minus strand). VCF-style: chr5-134606987-C-T. GRCh37 (hg19) VCF-style: chr5-133942677-C-T.
Other names: c.560G>A, p.Gly187Glu (NM_001033503.3); c.560G>A (NM_001033503.2); short protein forms G187E.
Identifiers: ClinVar variation 1441009 (VCV001441009.8), dbSNP rs368843590, ClinGen allele CA3414401.